The following is an entry in ClinVar:

NM_000552.5(VWF):c.7876C>A (p.Pro2626Thr)

Gene: VWF (von Willebrand factor; minus strand). Cytogenetic location: 12p13.31.
Variant type: single nucleotide variant.
Coding change: c.7876C>A on transcript NM_000552.5 (MANE Select); coding-DNA position 7876, C replaced by A.
Protein change: p.Pro2626Thr; replaces proline 2626 with threonine.
Molecular consequence: missense variant.
Genome position (GRCh38, 1-based): chr12:5,967,497, G>T on the plus strand (C>A on the coding strand, the complement: VWF is on the minus strand). VCF-style: chr12-5967497-G-T. GRCh37 (hg19) VCF-style: chr12-6076663-G-T.
Other names: short protein forms P2626T.
Identifiers: ClinVar variation 4533024 (VCV004533024.1).

ClinVar aggregate classification (germline): Uncertain significance (1 of 4 stars; one submission).

gnomAD v4.1: 6 of 1,613,958 alleles (0.00037%); highest among the groups gnomAD compares: African/African-American, 0.0067%; no homozygotes.

Submission:

Quest Diagnostics Nichols Institute San Juan Capistrano
Classification: Uncertain significance. Last evaluated: 2025-08-27. Review status: criteria provided, single submitter. Criteria: Quest Diagnostics criteria. Collection method: clinical testing. Allele origin: unknown.
Comment: The VWF c.7876C>A (p.Pro2626Thr) variant has not been reported in individuals with VWF-related conditions in the published literature. The frequency of this variant in the general population (Genome Aggregation Database) is uninformative in the assessment of its pathogenicity. Analysis of this variant using bioinformatics tools for the prediction of the effect of amino acid changes on protein structure and function yielded predictions that this variant is benign. Based on the available information, we are unable to determine the clinical significance of this variant.

Literature cited by the submitters: PubMed 23690449.